The following is an entry in ClinVar:

NM_198904.4(GABRG2):c.356A>T (p.Gln119Leu)

Gene: GABRG2 (gamma-aminobutyric acid type A receptor subunit gamma2; plus strand). Cytogenetic location: 5q34.
Variant type: single nucleotide variant.
Coding change: c.356A>T on transcript NM_198904.4 (MANE Select); coding-DNA position 356, A replaced by T.
Protein change: p.Gln119Leu; replaces glutamine 119 with leucine.
Molecular consequence: missense variant. On other transcripts: intron variant (2).
Genome position (GRCh38, 1-based): chr5:162,097,666, A>T. VCF-style: chr5-162097666-A-T. GRCh37 (hg19) VCF-style: chr5-161524672-A-T.
Other names: c.356A>T, p.Gln119Leu (NM_000816.3, NM_001375340.1, NM_001375341.1 and 4 more transcripts); c.347A>T, p.Gln116Leu (NM_001375339.1); c.290A>T, p.Gln97Leu (NM_001375345.1, NM_001375346.1); c.269A>T, p.Gln90Leu (NM_001375347.1); c.71A>T, p.Gln24Leu (NM_001375349.1); c.-31-34A>T (NM_001375350.1, NM_001375348.1); short protein forms Q116L, Q119L, Q24L, Q90L, Q97L.
Identifiers: ClinVar variation 3753878 (VCV003753878.2).

ClinVar aggregate classification (germline): Uncertain significance (1 of 4 stars; one submission).

Conditions:
Febrile seizures, familial, 8 (FEB8). Also called: CONVULSIONS, FAMILIAL FEBRILE, 8. Identifiers: Orphanet 36387, MedGen C1969810, MONDO:0011891, OMIM 607681.
EPILEPSY, CHILDHOOD ABSENCE, SUSCEPTIBILITY TO, 2 (ECA2). Identifiers: Orphanet 64280, MedGen C1843244, OMIM 607681.

Submission:

Labcorp Genetics (formerly Invitae), Labcorp
Classification: Uncertain significance for Febrile seizures, familial, 8; EPILEPSY, CHILDHOOD ABSENCE, SUSCEPTIBILITY TO, 2. Last evaluated: 2024-07-01. Review status: criteria provided, single submitter. Criteria: Invitae Variant Classification Sherloc (09022015). Collection method: clinical testing. Allele origin: germline.
Comment: This sequence change replaces glutamine, which is neutral and polar, with leucine, which is neutral and non-polar, at codon 119 of the GABRG2 protein (p.Gln119Leu). This variant is not present in population databases (gnomAD no frequency). This variant has not been reported in the literature in individuals affected with GABRG2-related conditions. Advanced modeling of protein sequence and biophysical properties (such as structural, functional, and spatial information, amino acid conservation, physicochemical variation, residue mobility, and thermodynamic stability) performed at Invitae indicates that this missense variant is expected to disrupt GABRG2 protein function with a positive predictive value of 95%. In summary, the available evidence is currently insufficient to determine the role of this variant in disease. Therefore, it has been classified as a Variant of Uncertain Significance.